The following continues an entry in ClinVar:

NM_004985.5(KRAS):c.34G>A (p.Gly12Ser)

Gene: KRAS. ClinVar aggregate classification (germline): Pathogenic. Pathogenic (7). ClinVar aggregate classification (somatic clinical impact): Tier I - Strong. ClinVar aggregate classification (oncogenicity): Oncogenic.

Submissions 12 to 15 of 15:

OMIM
Classification: Pathogenic for JUVENILE MYELOMONOCYTIC LEUKEMIA, SOMATIC. Last evaluated: 2007-06-15. Review status: no assertion criteria provided. Collection method: literature only. Allele origin: somatic. Not counted in ClinVar's aggregate classification.

Department of Pathology and Laboratory Medicine, Sinai Health System
Classification: Pathogenic. Review status: no assertion criteria provided. Collection method: clinical testing. Allele origin: unknown. Affected: yes. Observed: 28 variant alleles. Study: The Canadian Open Genetics Repository (COGR). Not counted in ClinVar's aggregate classification.

Laboratory of Translational Genomics,  National Cancer Institute
No classification provided. Condition: Neoplasm of ovary. Review status: no classification provided. Collection method: not provided. Allele origin: somatic. Not counted in ClinVar's aggregate classification.
Comment: Ovarian Cancer specimen

Gharavi Laboratory, Columbia University
Classification: Uncertain significance. Last evaluated: 2018-09-16. Review status: flagged submission. Criteria: ACMG Guidelines, 2015. Collection method: research. Allele origin: germline. Affected: no. Not counted in ClinVar's aggregate classification.
ClinVar note: Reason: Outlier claim with insufficient supporting evidence

Literature cited by the submitters: PubMed 35864332 (cited by Institute for Genomic Medicine (IGM) Clinical Laboratory, Nationwide Children's Hospital); PubMed 31816869 (cited by Institute for Genomic Medicine (IGM) Clinical Laboratory, Nationwide Children's Hospital); PubMed 22142829 (cited by Institute for Genomic Medicine (IGM) Clinical Laboratory, Nationwide Children's Hospital); PubMed 26121087 (cited by Institute for Genomic Medicine (IGM) Clinical Laboratory, Nationwide Children's Hospital); PubMed 30115695 (cited by Institute for Genomic Medicine (IGM) Clinical Laboratory, Nationwide Children's Hospital); PubMed 30523111 (cited by Institute for Genomic Medicine (IGM) Clinical Laboratory, Nationwide Children's Hospital); PubMed 33056981 (cited by Institute for Genomic Medicine (IGM) Clinical Laboratory, Nationwide Children's Hospital); PubMed 34915055 (cited by Institute for Genomic Medicine (IGM) Clinical Laboratory, Nationwide Children's Hospital); PubMed 23455880 (cited by Center for Genomic Medicine, Rigshospitalet, Copenhagen University Hospital); PubMed 28484014 (cited by Center for Genomic Medicine, Rigshospitalet, Copenhagen University Hospital); PubMed 26184075 (cited by Center for Genomic Medicine, Rigshospitalet, Copenhagen University Hospital); PubMed 17704260 (cited by Labcorp Genetics (formerly Invitae), Labcorp and Laboratory for Molecular Medicine, Mass General Brigham Personalized Medicine); PubMed 26242988 (cited by Labcorp Genetics (formerly Invitae), Labcorp); PubMed 20805368 (cited by Labcorp Genetics (formerly Invitae), Labcorp); PubMed 22683711 (cited by Labcorp Genetics (formerly Invitae), Labcorp); PubMed 23096712 (cited by Labcorp Genetics (formerly Invitae), Labcorp); PubMed 23255105 (cited by Labcorp Genetics (formerly Invitae), Labcorp); PubMed 26521233 (cited by Labcorp Genetics (formerly Invitae), Labcorp); PubMed 24436047 (cited by Institute for Genomic Medicine (IGM) Clinical Laboratory, Nationwide Children's Hospital); PubMed 34166060 (cited by Institute for Genomic Medicine (IGM) Clinical Laboratory, Nationwide Children's Hospital); PubMed 25768946 (cited by Institute for Genomic Medicine (IGM) Clinical Laboratory, Nationwide Children's Hospital); PubMed 19681119 (cited by Institute for Genomic Medicine (IGM) Clinical Laboratory, Nationwide Children's Hospital); PubMed 24332040 (cited by Institute for Genomic Medicine (IGM) Clinical Laboratory, Nationwide Children's Hospital); PubMed 26138366 (cited by Institute for Genomic Medicine (IGM) Clinical Laboratory, Nationwide Children's Hospital); PubMed 15696205 (cited by Laboratory for Molecular Medicine, Mass General Brigham Personalized Medicine); PubMed 19358724 (cited by Laboratory for Molecular Medicine, Mass General Brigham Personalized Medicine); PubMed 7773929 (cited by OMIM); PubMed 17332249 (cited by OMIM).